The following is an entry in ClinVar:

NC_000007.14:g.156792192A>C

Genes: LMBR1 (limb development membrane protein 1; minus strand), SHH (sonic hedgehog signaling molecule; minus strand), ZRS (ZPA regulatory sequence; plus strand). Cytogenetic location: 7q36.3.
Variant type: single nucleotide variant.
Molecular consequence: intron variant (on NM_022458.4).
Genome position: GRCh38 VCF-style: chr7-156792192-A-C. GRCh37 (hg19) VCF-style: chr7-156584886-A-C.
Other names: c.360+4197T>G (NM_001363412.2); c.144+4197T>G (NM_001350954.2); c.423+4197T>G (NM_001363410.2, NM_022458.4, NM_001363409.2 and 1 more transcripts); c.-112+4197T>G (NM_001350958.2, NM_001350956.2, NM_001350955.2 and 1 more transcripts); c.54+4197T>G (NM_001350957.2, NM_001363411.2).
Identifiers: ClinVar variation 4995565 (VCV004995565.1).

ClinVar aggregate classification (germline): Uncertain significance (1 of 4 stars; one submission).

Conditions:
SHH-related disorder. Also called: SHH-related condition; SHH-related disorders.

Submission:

PreventionGenetics, part of Exact Sciences
Classification: Uncertain significance for SHH-related condition. Last evaluated: 2025-12-17. Review status: criteria provided, single submitter. Criteria: ACMG Guidelines, 2015. Collection method: clinical testing. Allele origin: germline.
Comment: The SHH c.-980070T>G variant is located in the 5' untranslated region. To our knowledge, this variant has not been reported in the literature or in a large population database (gnomAD), indicating this variant is rare. This variant may also be described as c.423+4197T>G within intron 5 of the LMBR1 gene (NM_022458), which contains the highly conserved ZPA cis-regulatory sequence (ZRS) located ~1 Mb upstream of the SHH gene. The ZPA (zone of polarizing activity) drives expression of SHH in the posterior limb bud during embryonic development, resulting in a gradient of SHH defining the anterior-posterior axis that determines digit identity and number of the hands and feet. Pathogenic variants in the ZRS have been shown to drive ectopic expression of SHH in the anterior embryonic limb bud, resulting in preaxial polydactyly (PPD), triphalangeal thumb (TPT), or polysyndactyly (Lettice et al. 2002. PubMed ID: 12032320; Lettice et al. 2008. PubMed ID: 18156157; VanderMeer and Ahituv. 2011. PubMed ID: 21509892). At this time, the clinical significance of this variant is uncertain due to the absence of conclusive functional and genetic evidence.